The following is an entry in ClinVar:

ClinVar aggregate classification (germline): Uncertain significance. Review status: criteria provided, multiple submitters, no conflicts (2 of 4 stars). 2 submissions from 2 submitters: Uncertain significance (2). Last evaluated 2025-01-26.

Conditions:
Rhabdoid tumor predisposition syndrome 2 (RTPS2). Identifiers: Orphanet 231108, Orphanet 69077, MedGen C2750074, MONDO:0013224, OMIM 613325.
Hereditary cancer-predisposing syndrome. Also called: Neoplastic Syndromes, Hereditary; Tumor predisposition; Hereditary neoplastic syndrome; Hereditary Cancer Syndrome. Identifiers: Orphanet 140162, MedGen C0027672, MeSH D009386, MONDO:0015356.

Submissions (2):

Labcorp Genetics (formerly Invitae), Labcorp
Classification: Uncertain significance for Rhabdoid tumor predisposition syndrome 2. Last evaluated: 2025-01-26. Review status: criteria provided, single submitter. Criteria: Invitae Variant Classification Sherloc (09022015). Collection method: clinical testing. Allele origin: germline.
Comment: This sequence change falls in intron 13 of the SMARCA4 gene. It does not directly change the encoded amino acid sequence of the SMARCA4 protein. It affects a nucleotide within the consensus splice site. This variant is not present in population databases (gnomAD no frequency). This variant has not been reported in the literature in individuals affected with SMARCA4-related conditions. ClinVar contains an entry for this variant (Variation ID: 3320692). Variants that disrupt the consensus splice site are a relatively common cause of aberrant splicing (PMID: 17576681, 9536098). Algorithms developed to predict the effect of sequence changes on RNA splicing suggest that this variant is not likely to affect RNA splicing. In summary, the available evidence is currently insufficient to determine the role of this variant in disease. Therefore, it has been classified as a Variant of Uncertain Significance.

Ambry Genetics
Classification: Uncertain significance for Hereditary cancer-predisposing syndrome. Last evaluated: 2024-05-06. Review status: criteria provided, single submitter. Criteria: Ambry Variant Classification Scheme 2023. Collection method: clinical testing. Allele origin: germline.
Comment: The c.2001+3A>G intronic variant results from an A to G substitution 3 nucleotides after coding exon 12 in the SMARCA4 gene. This nucleotide position is well conserved in available vertebrate species. In silico splice site analysis predicts that this alteration will not have any significant effect on splicing. Based on the available evidence, the clinical significance of this variant remains unclear.

Literature cited by the submitters: PubMed 17576681 (cited by Labcorp Genetics (formerly Invitae), Labcorp); PubMed 9536098 (cited by Labcorp Genetics (formerly Invitae), Labcorp).

NM_003072.5(SMARCA4):c.2001+3A>G

Gene: SMARCA4 (SWI/SNF related BAF chromatin remodeling complex subunit ATPase 4; plus strand). Cytogenetic location: 19p13.2.
Variant type: single nucleotide variant.
Coding change: c.2001+3A>G on transcript NM_003072.5 (MANE Select); 3 bases into the intron after coding-DNA position 2001, A replaced by G.
Molecular consequence: intron variant.
Genome position (GRCh38, 1-based): chr19:11,003,400, A>G. VCF-style: chr19-11003400-A-G. GRCh37 (hg19) VCF-style: chr19-11114076-A-G.
Other names: c.2001+3A>G (NM_001128844.3, NM_001128849.3, NM_001128847.4 and 6 more transcripts).
Identifiers: ClinVar variation 3320692 (VCV003320692.3).